The following is an entry in ClinVar:

NM_016580.4(PCDH12):c.3251_3252delinsGG (p.Pro1084Arg)

Gene: PCDH12 (protocadherin 12; minus strand). Cytogenetic location: 5q31.3.
Variant type: Indel.
Coding change: c.3251_3252delinsGG on transcript NM_016580.4 (MANE Select); coding-DNA positions 3251 to 3252, CA replaced by GG.
Protein change: p.Pro1084Arg; replaces proline 1084 with arginine.
Molecular consequence: missense variant.
Genome position (GRCh38, 1-based): chr5:141,945,684-141,945,685, TG replaced by CC on the plus strand (CA replaced by GG on the coding strand, the reverse complement: PCDH12 is on the minus strand). VCF-style: chr5-141945684-TG-CC. GRCh37 (hg19) VCF-style: chr5-141325249-TG-CC.
Other names: short protein forms P1084R.
Identifiers: ClinVar variation 1445725 (VCV001445725.8), dbSNP rs2126915045, ClinGen allele CA2573139221.

ClinVar aggregate classification (germline): Uncertain significance (1 of 4 stars; one submission).

Submission:

Labcorp Genetics (formerly Invitae), Labcorp
Classification: Uncertain significance. Last evaluated: 2024-06-08. Review status: criteria provided, single submitter. Criteria: Invitae Variant Classification Sherloc (09022015). Collection method: clinical testing. Allele origin: germline.
Comment: This sequence change replaces proline, which is neutral and non-polar, with arginine, which is basic and polar, at codon 1084 of the PCDH12 protein (p.Pro1084Arg). This variant is present in population databases (no rsID available, gnomAD 0.002%). This variant has not been reported in the literature in individuals affected with PCDH12-related conditions. ClinVar contains an entry for this variant (Variation ID: 1445725). An algorithm developed to predict the effect of missense changes on protein structure and function (PolyPhen-2) suggests that this variant is likely to be disruptive. In summary, the available evidence is currently insufficient to determine the role of this variant in disease. Therefore, it has been classified as a Variant of Uncertain Significance.